The following is an entry in ClinVar:

NM_001371596.2(MFSD8):c.1057A>T (p.Ile353Phe)

Gene: MFSD8 (major facilitator superfamily domain containing 8; minus strand). Cytogenetic location: 4q28.2.
Variant type: single nucleotide variant.
Coding change: c.1057A>T on transcript NM_001371596.2 (MANE Select); coding-DNA position 1057, A replaced by T.
Protein change: p.Ile353Phe; replaces isoleucine 353 with phenylalanine.
Molecular consequence: missense variant. On other transcripts: intron variant (2).
Genome position (GRCh38, 1-based): chr4:127,921,905, T>A on the plus strand (A>T on the coding strand, the complement: MFSD8 is on the minus strand). VCF-style: chr4-127921905-T-A. GRCh37 (hg19) VCF-style: chr4-128843060-T-A.
Other names: c.856A>T, p.Ile286Phe (NM_001363520.3); c.742A>T, p.Ile248Phe (NM_001363521.3); c.922A>T, p.Ile308Phe (NM_001371590.2); c.1057A>T, p.Ile353Phe (NM_001371591.2, NM_152778.4); c.1063A>T, p.Ile355Phe (NM_001371592.2); c.943A>T, p.Ile315Phe (NM_001371593.2); c.910A>T, p.Ile304Phe (NM_001371594.2); c.775A>T, p.Ile259Phe (NM_001371595.1); and 3 more; short protein forms I248F, I286F, I308F, I304F, I355F, I315F, I203F, I259F.
Identifiers: ClinVar variation 5024445 (VCV005024445.1).

ClinVar aggregate classification (germline): Uncertain significance (1 of 4 stars; one submission).

Conditions:
Inborn genetic diseases. Identifiers: MedGen C0950123, MeSH D030342.

gnomAD v4.1: 6 of 1,614,006 alleles (0.00037%); highest among the groups gnomAD compares: Middle Eastern, 0.016%; no homozygotes.

Submission:

Ambry Genetics
Classification: Uncertain significance for Inborn genetic diseases. Last evaluated: 2026-07-14. Review status: criteria provided, single submitter. Criteria: Ambry Variant Classification Scheme 2023. Collection method: clinical testing. Allele origin: germline.
Comment: The c.1057A>T (p.I353F) alteration is located in exon 11 (coding exon 10) of the MFSD8 gene. This alteration results from a A to T substitution at nucleotide position 1057, causing the isoleucine (I) at amino acid position 353 to be replaced by a phenylalanine (F). Based on data from gnomAD, the T allele has an overall frequency of <0.001% (1/251320) total alleles studied. The highest observed frequency was 0.001% (1/113644) of European (non-Finnish) alleles. Based on insufficient or conflicting evidence, the clinical significance of this alteration remains unclear.